The following is an entry in ClinVar:

ClinVar aggregate classification (germline): Uncertain significance (1 of 4 stars; one submission).

Conditions:
Hereditary cancer-predisposing syndrome. Also called: Hereditary Cancer Syndrome; Neoplastic Syndromes, Hereditary; Tumor predisposition; Hereditary neoplastic syndrome. Identifiers: Orphanet 140162, MedGen C0027672, MeSH D009386, MONDO:0015356.

Submission:

Ambry Genetics
Classification: Uncertain significance for Hereditary cancer-predisposing syndrome. Last evaluated: 2020-01-10. Review status: criteria provided, single submitter. Criteria: Ambry Variant Classification Scheme 2023. Collection method: clinical testing. Allele origin: germline.
Comment: The p.N171K variant (also known as c.513T>A), located in coding exon 3 of the CHEK2 gene, results from a T to A substitution at nucleotide position 513. The asparagine at codon 171 is replaced by lysine, an amino acid with similar properties. This amino acid position is highly conserved in available vertebrate species. In addition, the in silico prediction for this alteration is inconclusive. Since supporting evidence is limited at this time, the clinical significance of this alteration remains unclear.

NM_007194.4(CHEK2):c.513T>A (p.Asn171Lys)

Gene: CHEK2 (checkpoint kinase 2; minus strand). Cytogenetic location: 22q12.1.
Variant type: single nucleotide variant.
Coding change: c.513T>A on transcript NM_007194.4 (MANE Select); coding-DNA position 513, T replaced by A.
Protein change: p.Asn171Lys; replaces asparagine 171 with lysine.
Molecular consequence: missense variant. On other transcripts: 5 prime UTR variant (2), intron variant (1).
Genome position (GRCh38, 1-based): chr22:28,725,056, A>T on the plus strand (T>A on the coding strand, the complement: CHEK2 is on the minus strand). VCF-style: chr22-28725056-A-T. GRCh37 (hg19) VCF-style: chr22-29121044-A-T.
Other names: c.642T>A, p.Asn214Lys (NM_001005735.3, NM_001438294.1); c.-265T>A (NM_001257387.3); c.-151T>A (NM_001437942.1); c.606T>A, p.Asn202Lys (NM_001438293.1, NM_001438295.1); c.513T>A, p.Asn171Lys (NM_145862.3); c.445-133T>A (NM_001349956.3); short protein forms N171K, N214K, N202K.
Identifiers: ClinVar variation 1745605 (VCV001745605.2), dbSNP rs2518052664, ClinGen allele CA411107383.